The following is an entry in ClinVar:

ClinVar aggregate classification (germline): Uncertain significance (1 of 4 stars; one submission).

Conditions:
CFI-related disorder. Also called: CFI-related condition; CFI-related disorders. Identifiers: MedGen CN239325.

Submission:

Genomenon, Inc
Classification: Uncertain significance for CFI-related disorder. Last evaluated: 2025-09-26. Review status: criteria provided, single submitter. Criteria: Genomenon Sequence Variant Interpretation Standards - Updated. Collection method: curation. Allele origin: germline. Affected: no.
Comment: CFI p.Cys453Arg (c.1357T>C) is a missense variant that changes the amino acid at residue 453 from Cysteine to Arginine. This variant has been reported in the published literature (PMID:29500241). It is absent or not present at a significant frequency in gnomAD. In silico models agree that this variant is possibly or probably damaging. In conclusion, we classify CFI p.Cys453Arg (c.1357T>C) as a variant of unknown significance.

Literature cited by the submitters: PubMed 29500241.

NM_000204.5(CFI):c.1357T>C (p.Cys453Arg)

Gene: CFI (complement factor I; minus strand). Cytogenetic location: 4q25.
Variant type: single nucleotide variant.
Coding change: c.1357T>C on transcript NM_000204.5 (MANE Select); coding-DNA position 1357, T replaced by C.
Protein change: p.Cys453Arg; replaces cysteine 453 with arginine.
Molecular consequence: missense variant. On other transcripts: non-coding transcript variant (2).
Genome position (GRCh38, 1-based): chr4:109,746,294, A>G on the plus strand (T>C on the coding strand, the complement: CFI is on the minus strand). VCF-style: chr4-109746294-A-G. GRCh37 (hg19) VCF-style: chr4-110667450-A-G.
Other names: c.1381T>C, p.Cys461Arg (NM_001318057.2, NM_001375278.1, NM_001440988.1); c.1336T>C, p.Cys446Arg (NM_001331035.2, NM_001375280.1, NM_001375282.1 and 1 more transcripts); c.1357T>C, p.Cys453Arg (NM_001375279.1, NM_001375281.1, NM_001440989.1); c.1300T>C, p.Cys434Arg (NM_001375283.1); c.748T>C, p.Cys250Arg (NM_001375284.1); c.1378T>C, p.Cys460Arg (NM_001440985.1, NM_001440986.1); short protein forms C250R, C434R, C446R, C453R, C460R, C461R.
Identifiers: ClinVar variation 4280440 (VCV004280440.1).
Genomic context (GRCh38, chr4:109,746,294, plus strand): 5'-CCCAGCCAGAAACGATGCATGTATCATTAGGTTGGAATAGGTAAGGAGACCAGGGGACAC[A>G]GGCAGGGATGGAACGAGGCAGCTCACAATCTTTTTTGTTTCCGTCTTTTTTCATTTCAAT-3'
Protein context (NP_000195.3, residues 443-463): DCELPRSIPA[Cys453Arg]VPWSPYLFQP